The following is an entry in ClinVar:

ClinVar aggregate classification (germline): Uncertain significance (1 of 4 stars; one submission).

Submission:

Labcorp Genetics (formerly Invitae), Labcorp
Classification: Uncertain significance. Last evaluated: 2025-02-20. Review status: criteria provided, single submitter. Criteria: Invitae Variant Classification Sherloc (09022015). Collection method: clinical testing. Allele origin: germline.
Comment: This sequence change replaces glutamine, which is neutral and polar, with histidine, which is basic and polar, at codon 187 of the SLC22A4 protein (p.Gln187His). This variant is not present in population databases (gnomAD no frequency). This variant has not been reported in the literature in individuals affected with SLC22A4-related conditions. Invitae Evidence Modeling of protein sequence and biophysical properties (such as structural, functional, and spatial information, amino acid conservation, physicochemical variation, residue mobility, and thermodynamic stability) indicates that this missense variant is expected to disrupt SLC22A4 protein function with a positive predictive value of 80%. In summary, the available evidence is currently insufficient to determine the role of this variant in disease. Therefore, it has been classified as a Variant of Uncertain Significance.

NM_003059.3(SLC22A4):c.561G>T (p.Gln187His)

Genes: SLC22A4 (solute carrier family 22 member 4; plus strand), MIR3936HG (MIR3936 host gene; minus strand). Cytogenetic location: 5q31.1.
Variant type: single nucleotide variant.
Coding change: c.561G>T on transcript NM_003059.3 (MANE Select); coding-DNA position 561, G replaced by T.
Protein change: p.Gln187His; replaces glutamine 187 with histidine.
Molecular consequence: missense variant.
Genome position (GRCh38, 1-based): chr5:132,313,677, G>T. VCF-style: chr5-132313677-G-T. GRCh37 (hg19) VCF-style: chr5-131649370-G-T.
Other names: short protein forms Q187H.
Identifiers: ClinVar variation 4694528 (VCV004694528.1).